The following is an entry in ClinVar:

ClinVar aggregate classification (germline): Benign/Likely benign. Review status: criteria provided, multiple submitters, no conflicts (2 of 4 stars). 12 submissions from 12 submitters: Benign (2); Likely benign (7). 3 of the submissions do not count toward it. Last evaluated 2026-09-21.

Conditions:
Catecholaminergic polymorphic ventricular tachycardia (CVPT). Also called: Catecholamine-induced polymorphic ventricular tachycardia. Identifiers: Orphanet 3286, MedGen C5574922, MONDO:0017990.
Cardiovascular phenotype. Identifiers: MedGen CN230736.
Catecholaminergic polymorphic ventricular tachycardia 1. Also called: VENTRICULAR TACHYCARDIA, STRESS-INDUCED POLYMORPHIC 1; VENTRICULAR TACHYCARDIA, CATECHOLAMINERGIC POLYMORPHIC, 1, WITH OR WITHOUT ATRIAL DYSFUNCTION AND/OR DILATED CARDIOMYOPATHY; RYR2-Related Catecholaminergic Polymorphic Ventricular Tachycardia. Identifiers: Orphanet 3286, MedGen C1631597, MONDO:0011484, OMIM 604772.
Cardiomyopathy (CMYO). Also called: Cardiomyopathies. Identifiers: Orphanet 167848, MedGen C0878544, MONDO:0004994, HP:0001638. Inheritance: Various modes of inheritance.

Allele frequency attached by ClinVar (database versions not stated): gnomAD exomes 0.00008 and 0.00016; gnomAD 0.00010 and 0.00011; TOPMed 0.00012; ExAC 0.00013; ESP Exome Variant Server 0.00016.
gnomAD v4.1: 248 of 1,603,494 alleles (0.015%); highest among the groups gnomAD compares: Non-Finnish European, 0.019%; no homozygotes.

Submissions (12):

Molecular Diagnostic Laboratory for Inherited Cardiovascular Disease, Montreal Heart Institute
Classification: Likely benign. Last evaluated: 2026-09-21. Review status: criteria provided, single submitter. Criteria: ACMG Guidelines, 2015. Collection method: clinical testing. Allele origin: germline. Affected: no.
Comment: BS1;BP7

Labcorp Genetics (formerly Invitae), Labcorp
Classification: Likely benign for Catecholaminergic polymorphic ventricular tachycardia 1. Last evaluated: 2025-11-24. Review status: criteria provided, single submitter. Criteria: Invitae Variant Classification Sherloc (09022015). Collection method: clinical testing. Allele origin: germline.

Blueprint Genetics
Classification: Likely benign. Last evaluated: 2024-10-23. Review status: criteria provided, single submitter. Criteria: ACMG Guidelines, 2015. Collection method: clinical testing. Allele origin: germline.

All of Us Research Program, National Institutes of Health
Classification: Likely benign for Catecholaminergic polymorphic ventricular tachycardia. Last evaluated: 2023-12-13. Review status: criteria provided, single submitter. Criteria: ACMG Guidelines, 2015. Collection method: clinical testing. Allele origin: germline. Inheritance: Autosomal dominant inheritance. Observed: 31 variant alleles, 31 heterozygotes.
Comment: This study involves interpretation of variants in research participants for the purpose of population health screening. Participant phenotype was not available at the time of variant classification. Additional details can be found in publication PMID: 35346344, PMCID: PMC8962531

Women's Health and Genetics/Laboratory Corporation of America, LabCorp
Classification: Benign. Last evaluated: 2021-11-15. Review status: criteria provided, single submitter. Criteria: LabCorp Variant Classification Summary - May 2015. Collection method: clinical testing. Allele origin: germline.

CeGaT Center for Human Genetics Tuebingen
Classification: Likely benign. Last evaluated: 2021-01-01. Review status: criteria provided, single submitter. Criteria: CeGaT Center For Human Genetics Tuebingen Variant Classification Criteria Version 2. Collection method: clinical testing. Allele origin: germline. Affected: yes. Observed: 1 variant allele.

Ambry Genetics
Classification: Likely benign for Cardiovascular phenotype. Last evaluated: 2020-02-27. Review status: criteria provided, single submitter. Criteria: Ambry Variant Classification Scheme 2023. Collection method: clinical testing. Allele origin: germline.

Color Diagnostics, LLC DBA Color Health
Classification: Likely benign for Cardiomyopathy. Last evaluated: 2018-10-16. Review status: criteria provided, single submitter. Criteria: ACMG Guidelines, 2015. Collection method: clinical testing. Allele origin: germline.

GeneDx
Classification: Benign. Last evaluated: 2014-03-12. Review status: criteria provided, single submitter. Criteria: GeneDx Variant Classification (06012015). Collection method: clinical testing. Allele origin: germline. Affected: yes.
Comment: This variant is considered likely benign or benign based on one or more of the following criteria: it is a conservative change, it occurs at a poorly conserved position in the protein, it is predicted to be benign by multiple in silico algorithms, and/or has population frequency not consistent with disease.

Clinical Genetics, Academic Medical Center
Classification: Benign. Review status: no assertion criteria provided. Collection method: clinical testing. Allele origin: germline. Affected: yes. Study: VKGL Data-share Consensus. Not counted in ClinVar's aggregate classification.

Diagnostic Laboratory, Department of Genetics, University Medical Center Groningen
Classification: Likely benign. Review status: no assertion criteria provided. Collection method: clinical testing. Allele origin: germline. Affected: yes. Study: VKGL Data-share Consensus. Not counted in ClinVar's aggregate classification.

Joint Genome Diagnostic Labs from Nijmegen and Maastricht, Radboudumc and MUMC+
Classification: Likely benign. Review status: no assertion criteria provided. Collection method: clinical testing. Allele origin: germline. Affected: yes. Study: VKGL Data-share Consensus. Not counted in ClinVar's aggregate classification.

NM_001035.3(RYR2):c.10221G>A (p.Ser3407=)

Gene: RYR2 (ryanodine receptor 2; plus strand). Cytogenetic location: 1q43.
Variant type: single nucleotide variant.
Coding change: c.10221G>A on transcript NM_001035.3 (MANE Select); coding-DNA position 10221, G replaced by A.
Protein change: p.Ser3407=; no amino-acid change (serine 3407 retained).
Molecular consequence: synonymous variant.
Genome position (GRCh38, 1-based): chr1:237,709,558, G>A. VCF-style: chr1-237709558-G-A. GRCh37 (hg19) VCF-style: chr1-237872858-G-A.
Other names: p.S3407S:TCG>TCA; c.10221G>A, p.Ser3407= (LRG_402t1).
Identifiers: ClinVar variation 138953 (VCV000138953.62), dbSNP rs373769240, ClinGen allele CA006549.
Genomic context (GRCh38, chr1:237,709,558, plus strand): 5'-GCCTAACCCAGAAGCAGAGGAGCTCTTCCGCATGGTGGCTGAAGTGTTTATCTACTGGTC[G>A]AAGTCCCATGTGAGTGTGAAAATATTGATAGATCACGCCTACTGTTTGTAGGCACCTGCT-3'
Protein context (NP_001026.2, residues 3397-3417): RMVAEVFIYW[Ser3407=]KSHNFKREEQ